The following is an entry in ClinVar:

NM_000059.4(BRCA2):c.4086C>T (p.His1362=)

Gene: BRCA2 (BRCA2 DNA repair associated; plus strand). Cytogenetic location: 13q13.1.
Variant type: single nucleotide variant.
Coding change: c.4086C>T on transcript NM_000059.4 (MANE Select); coding-DNA position 4086, C replaced by T.
Protein change: p.His1362=; no amino-acid change (histidine 1362 retained).
Molecular consequence: synonymous variant.
Genome position (GRCh38, 1-based): chr13:32,338,441, C>T. VCF-style: chr13-32338441-C-T. GRCh37 (hg19) VCF-style: chr13-32912578-C-T.
Identifiers: ClinVar variation 427459 (VCV000427459.14), dbSNP rs760304057, ClinGen allele CA6940745.

ClinVar aggregate classification (germline): Likely benign. Review status: reviewed by expert panel (3 of 4 stars). 4 submissions from 4 submitters: Likely benign (1). 3 of the submissions do not count toward it. Last evaluated 2017-06-29.

Conditions:
Hereditary cancer-predisposing syndrome. Also called: Hereditary neoplastic syndrome; Hereditary Cancer Syndrome; Neoplastic Syndromes, Hereditary; Tumor predisposition. Identifiers: Orphanet 140162, MedGen C0027672, MeSH D009386, MONDO:0015356.
Breast-ovarian cancer, familial, susceptibility to, 2 (BROVCA2). Also called: BRCA2 Hereditary Breast and Ovarian Cancer. Identifiers: Orphanet 145, MedGen C2675520, MONDO:0012933, OMIM 612555. Disease mechanism: loss of function.
Hereditary breast ovarian cancer syndrome. Also called: Hereditary breast and ovarian cancer syndrome; BRCA1- and BRCA2-Associated Hereditary Breast and Ovarian Cancer; Hereditary breast and/or ovarian cancer syndrome; Hereditary breast and ovarian cancer; Breast and ovarian cancer; Hereditary breast and ovarian cancer syndrome (HBOC). Identifiers: Orphanet 145, MedGen C0677776, MeSH D061325, MONDO:0003582. Disease mechanism: loss of function.

Allele frequency attached by ClinVar (database versions not stated): gnomAD exomes below 0.00001; ExAC 0.00001.

Submissions (4):

Evidence-based Network for the Interpretation of Germline Mutant Alleles (ENIGMA)
Classification: Likely benign for Breast-ovarian cancer, familial, susceptibility to, 2. Last evaluated: 2017-06-29. Review status: reviewed by expert panel. Criteria: ENIGMA BRCA1/2 Classification Criteria (2017-06-29). Collection method: curation. Allele origin: germline.
Comment: Synonymous substitution variant, with low bioinformatic likelihood to result in a splicing aberration (Splicing prior probability 0.02).

Ambry Genetics
Classification: Likely benign for Hereditary cancer-predisposing syndrome. Last evaluated: 2022-10-08. Review status: criteria provided, single submitter. Criteria: Ambry Variant Classification Scheme 2023. Collection method: clinical testing. Allele origin: germline. Not counted in ClinVar's aggregate classification.

Labcorp Genetics (formerly Invitae), Labcorp
Classification: Likely benign for Hereditary breast ovarian cancer syndrome. Last evaluated: 2021-10-18. Review status: criteria provided, single submitter. Criteria: Invitae Variant Classification Sherloc (09022015). Collection method: clinical testing. Allele origin: germline. Not counted in ClinVar's aggregate classification.

Color Diagnostics, LLC DBA Color Health
Classification: Likely benign for Hereditary cancer-predisposing syndrome. Last evaluated: 2019-08-21. Review status: criteria provided, single submitter. Criteria: ACMG Guidelines, 2015. Collection method: clinical testing. Allele origin: germline. Not counted in ClinVar's aggregate classification.